The following is an entry in ClinVar:

ClinVar aggregate classification (germline): Pathogenic (1 of 4 stars; one submission).

Conditions:
Polycystic kidney disease, adult type (PKD1). Also called: Polycystic Kidney, Autosomal Dominant; POLYCYSTIC KIDNEY DISEASE, ADULT, TYPE I; Polycystic Kidney Disease 1, Autosomal Dominant; Polycystic kidney disease 1; Polycystic kidney disease 1, severe; POLYCYSTIC KIDNEY DISEASE 1 WITH OR WITHOUT POLYCYSTIC LIVER DISEASE. Identifiers: MedGen C3149841, MONDO:0008263, OMIM 173900.

Submission:

Juno Genomics, Hangzhou Juno Genomics, Inc
Classification: Pathogenic for Polycystic kidney disease, adult type. Review status: criteria provided, single submitter. Criteria: ACMG Guidelines, 2015. Collection method: clinical testing. Allele origin: germline. Affected: yes.
Comment: Absent from controls (or at extremely low frequency if recessive) in Genome Aggregation Database, Exome Sequencing Project, 1000 Genomes Project, or Exome Aggregation Consortium.;Null variant in a gene where loss of function (LOF) is a known mechanism of disease.;Patient's phenotype or family history is highly specific for a disease with a single genetic etiology.

NM_001009944.3(PKD1):c.10885del (p.Thr3629fs)

Genes: PKD1 (polycystin 1, transient receptor potential channel interacting; minus strand), PKD1-AS1 (PKD1 antisense RNA 1; plus strand). Cytogenetic location: 16p13.3.
Variant type: Deletion.
Coding change: c.10885del on transcript NM_001009944.3 (MANE Select); coding-DNA position 10885, one base deleted (A; older notation c.10885delA).
Protein change: p.Thr3629fs; shifts the reading frame from threonine 3629.
Molecular consequence: frameshift variant.
Genome position (GRCh38, 1-based): chr16:2,093,675, T deleted on the plus strand (A on the coding strand, the reverse complement: PKD1 is on the minus strand). VCF-style (leftmost placement, unchanged base first): chr16-2093674-GT-G. GRCh37 (hg19) VCF-style: chr16-2143675-GT-G.
Other names: c.10882del, p.Thr3628fs (NM_000296.4); short protein forms T3628fs, T3629fs.
Identifiers: ClinVar variation 4796583 (VCV004796583.1).